The following is an entry in ClinVar:

NM_005600.3(NIT1):c.139_144delinsT (p.Pro47fs)

Gene: NIT1 (nitrilase 1; plus strand). Cytogenetic location: 1q23.3.
Variant type: Indel.
Coding change: c.139_144delinsT on transcript NM_005600.3 (MANE Select); coding-DNA positions 139 to 144, CCCCTG replaced by T.
Protein change: p.Pro47fs; shifts the reading frame from proline 47.
Molecular consequence: frameshift variant.
Genome position (GRCh38, 1-based): chr1:161,119,174-161,119,179, CCCCTG replaced by T. VCF-style: chr1-161119174-CCCCTG-T. GRCh37 (hg19) VCF-style: chr1-161088964-CCCCTG-T.
Other names: c.139_144delinsT, p.Pro47fs (NM_001185092.2); c.94_99delinsT, p.Pro32fs (NM_001185093.2); c.31_36delinsT, p.Pro11fs (NM_001185094.2); short protein forms P11fs, P32fs, P47fs.
Identifiers: ClinVar variation 5040751 (VCV005040751.1).
Genomic context (GRCh38, chr1:161,119,174, plus strand): 5'-CCTGCCTATGCTGTTCACAGGCCCAGAGCCATGGCTATCTCCTCTTCCTCCTGCGAACTG[CCCCTG>T]GTGGCTGTGTGCCAGGTAACATCGACGCCAGACAAGCAACAGAACTTTAAAACATGTGCT-3'

ClinVar aggregate classification (germline): Uncertain significance (1 of 4 stars; one submission).

Submission:

CeGaT Center for Human Genetics Tuebingen
Classification: Uncertain significance. Last evaluated: 2026-07-01. Review status: criteria provided, single submitter. Criteria: CeGaT Center For Human Genetics Tuebingen Variant Classification Criteria Version 2. Collection method: clinical testing. Allele origin: germline. Affected: yes. Observed: 1 variant allele.
Comment: NIT1: PM2, PVS1:Moderate